The following is an entry in ClinVar:

NM_024753.5(TTC21B):c.2156T>C (p.Met719Thr)

Gene: TTC21B (tetratricopeptide repeat domain 21B; minus strand). Cytogenetic location: 2q24.3.
Variant type: single nucleotide variant.
Coding change: c.2156T>C on transcript NM_024753.5 (MANE Select); coding-DNA position 2156, T replaced by C.
Protein change: p.Met719Thr; replaces methionine 719 with threonine.
Molecular consequence: missense variant.
Genome position (GRCh38, 1-based): chr2:165,913,629, A>G on the plus strand (T>C on the coding strand, the complement: TTC21B is on the minus strand). VCF-style: chr2-165913629-A-G. GRCh37 (hg19) VCF-style: chr2-166770139-A-G.
Other names: short protein forms M719T.
Identifiers: ClinVar variation 1387782 (VCV001387782.6), dbSNP rs2105321275, ClinGen allele CA349058451.

ClinVar aggregate classification (germline): Uncertain significance (1 of 4 stars; one submission).

Conditions:
Nephronophthisis. Also called: Juvenile Nephronophthisis. Identifiers: Orphanet 655, MedGen C0687120, MONDO:0019005, HP:0000090.
Jeune thoracic dystrophy. Also called: Jeune syndrome; Infantile thoracic dystrophy; Thoracic pelvic phalangeal dystrophy; Jeune's syndrome; Chondroectodermal dysplasia-like syndrome; Short-rib thoracic dysplasia. Identifiers: Orphanet 474, MedGen C0265275, MONDO:0018770.

Submission:

Labcorp Genetics (formerly Invitae), Labcorp
Classification: Uncertain significance for Jeune thoracic dystrophy; Nephronophthisis. Last evaluated: 2021-10-18. Review status: criteria provided, single submitter. Criteria: Invitae Variant Classification Sherloc (09022015). Collection method: clinical testing. Allele origin: germline.
Comment: This variant is not present in population databases (ExAC no frequency). This variant has not been reported in the literature in individuals affected with TTC21B-related conditions. Algorithms developed to predict the effect of missense changes on protein structure and function (SIFT, PolyPhen-2, Align-GVGD) all suggest that this variant is likely to be tolerated. In summary, the available evidence is currently insufficient to determine the role of this variant in disease. Therefore, it has been classified as a Variant of Uncertain Significance. This sequence change replaces methionine with threonine at codon 719 of the TTC21B protein (p.Met719Thr). The methionine residue is moderately conserved and there is a moderate physicochemical difference between methionine and threonine.